The following is an entry in ClinVar:

NM_016035.5(COQ4):c.202+20G>A

Gene: COQ4 (coenzyme Q4; plus strand). Cytogenetic location: 9q34.11.
Variant type: single nucleotide variant.
Coding change: c.202+20G>A on transcript NM_016035.5 (MANE Select); 20 bases into the intron after coding-DNA position 202, G replaced by A.
Molecular consequence: intron variant.
Genome position (GRCh38, 1-based): chr9:128,323,167, G>A. VCF-style: chr9-128323167-G-A. GRCh37 (hg19) VCF-style: chr9-131085446-G-A.
Other names: c.202+20G>A (NM_001305942.2).
Identifiers: ClinVar variation 389051 (VCV000389051.8), dbSNP rs1057523311, ClinGen allele CA5260438.

ClinVar aggregate classification (germline): Likely benign. Review status: criteria provided, multiple submitters, no conflicts (2 of 4 stars). 2 submissions from 2 submitters: Likely benign (2). Last evaluated 2025-03-22.

Conditions:
Neonatal encephalomyopathy-cardiomyopathy-respiratory distress syndrome. Also called: Coenzyme Q10 deficiency, primary, 7. Identifiers: Orphanet 457185, MedGen C5568562, MONDO:0014562, OMIM 616276.

Allele frequency attached by ClinVar (database versions not stated): gnomAD exomes below 0.00001 and 0.00001; ExAC 0.00003; gnomAD 0.00003 and 0.00004; TOPMed 0.00005.
gnomAD v4.1: 13 of 1,568,030 alleles (0.00083%); highest among the groups gnomAD compares: Admixed American, 0.024%; no homozygotes.

Submissions (2):

Labcorp Genetics (formerly Invitae), Labcorp
Classification: Likely benign for Neonatal encephalomyopathy-cardiomyopathy-respiratory distress syndrome. Last evaluated: 2025-03-22. Review status: criteria provided, single submitter. Criteria: Invitae Variant Classification Sherloc (09022015). Collection method: clinical testing. Allele origin: germline.

GeneDx
Classification: Likely benign. Last evaluated: 2016-09-13. Review status: criteria provided, single submitter. Criteria: GeneDx Variant Classification (06012015). Collection method: clinical testing. Allele origin: germline. Affected: yes.
Comment: This variant is considered likely benign or benign based on one or more of the following criteria: it is a conservative change, it occurs at a poorly conserved position in the protein, it is predicted to be benign by multiple in silico algorithms, and/or has population frequency not consistent with disease.